The following is an entry in ClinVar:

NM_014780.5(CUL7):c.4888G>A (p.Gly1630Ser)

Gene: CUL7 (cullin 7; minus strand). Cytogenetic location: 6p21.1.
Variant type: single nucleotide variant.
Coding change: c.4888G>A on transcript NM_014780.5 (MANE Select); coding-DNA position 4888, G replaced by A.
Protein change: p.Gly1630Ser; replaces glycine 1630 with serine.
Molecular consequence: missense variant.
Genome position (GRCh38, 1-based): chr6:43,037,897, C>T on the plus strand (G>A on the coding strand, the complement: CUL7 is on the minus strand). VCF-style: chr6-43037897-C-T. GRCh37 (hg19) VCF-style: chr6-43005635-C-T.
Other names: c.4984G>A, p.Gly1662Ser (NM_001168370.2, NM_001374872.1); c.4900G>A, p.Gly1634Ser (NM_001374873.1); c.4885G>A, p.Gly1629Ser (NM_001374874.1); c.4888G>A (NM_014780.4); short protein forms G1629S, G1630S, G1634S, G1662S.
Identifiers: ClinVar variation 1054122 (VCV001054122.10), dbSNP rs77976555, ClinGen allele CA3813086.

ClinVar aggregate classification (germline): Uncertain significance. Review status: criteria provided, multiple submitters, no conflicts (2 of 4 stars). 3 submissions from 3 submitters: Uncertain significance (3). Last evaluated 2026-03-18.

Conditions:
Inborn genetic diseases. Identifiers: MedGen C0950123, MeSH D030342.

Allele frequency attached by ClinVar (database versions not stated): ExAC 0.00001; gnomAD 0.00001; gnomAD exomes 0.00001 and 0.00006; TOPMed 0.00002; ESP Exome Variant Server 0.00008; 1000 Genomes Project 30x 0.00016; 1000 Genomes Project 0.00020.
gnomAD v4.1: 82 of 1,613,288 alleles (0.0051%); highest among the groups gnomAD compares: Non-Finnish European, 0.0069%; no homozygotes.

Submissions (3):

Women's Health and Genetics/Laboratory Corporation of America, LabCorp
Classification: Uncertain significance. Last evaluated: 2026-03-18. Review status: criteria provided, single submitter. Criteria: LabCorp Variant Classification Summary - May 2015. Collection method: clinical testing. Allele origin: germline.
Comment: Variant summary: CUL7 c.4888G>A (p.Gly1630Ser) results in a non-conservative amino acid change in the encoded protein sequence. Algorithms developed to predict the effect of missense changes on protein structure and function are either unavailable or do not agree on the potential impact of this missense change. The variant allele was found at a frequency of 8e-06 in 250460 control chromosomes. The available data on variant occurrences in the general population are insufficient to allow any conclusion about variant significance. To our knowledge, no occurrence of c.4888G>A in individuals affected with CUL7-related conditions and no experimental evidence demonstrating its impact on protein function have been reported. ClinVar contains an entry for this variant (Variation ID: 1054122). Based on the evidence outlined above, the variant was classified as uncertain significance.

Ambry Genetics
Classification: Uncertain significance for Inborn genetic diseases. Last evaluated: 2024-09-04. Review status: criteria provided, single submitter. Criteria: Ambry Variant Classification Scheme 2023. Collection method: clinical testing. Allele origin: germline.

Labcorp Genetics (formerly Invitae), Labcorp
Classification: Uncertain significance. Last evaluated: 2020-02-24. Review status: criteria provided, single submitter. Criteria: Invitae Variant Classification Sherloc (09022015). Collection method: clinical testing. Allele origin: germline.
Comment: This sequence change replaces glycine with serine at codon 1630 of the CUL7 protein (p.Gly1630Ser). The glycine residue is weakly conserved and there is a small physicochemical difference between glycine and serine. This variant is present in population databases (rs77976555, ExAC 0.002%). This variant has not been reported in the literature in individuals with CUL7-related conditions. Algorithms developed to predict the effect of missense changes on protein structure and function output the following: SIFT: "Tolerated"; PolyPhen-2: "Benign"; Align-GVGD: "Class C0". The serine amino acid residue is found in multiple mammalian species, suggesting that this missense change does not adversely affect protein function. These predictions have not been confirmed by published functional studies and their clinical significance is uncertain. In summary, the available evidence is currently insufficient to determine the role of this variant in disease. Therefore, it has been classified as a Variant of Uncertain Significance.